The following is an entry in ClinVar:

ClinVar aggregate classification (germline): Likely benign. Review status: criteria provided, single submitter (1 of 4 stars). 2 submissions from 2 submitters: Likely benign (1). 1 of the submissions does not count toward it. Last evaluated 2025-09-24.

Conditions:
PLXNA2-related disorder. Also called: PLXNA2-related condition.

Allele frequency attached by ClinVar (database versions not stated): TOPMed 0.00006; gnomAD 0.00007; gnomAD exomes 0.00007; 1000 Genomes Project 30x 0.00047; ExAC 0.00010; 1000 Genomes Project 0.00040.
gnomAD v4.1: 116 of 1,614,174 alleles (0.0072%); highest among the groups gnomAD compares: Middle Eastern, 0.35%; 1 homozygote.

Submissions (2):

Labcorp Genetics (formerly Invitae), Labcorp
Classification: Likely benign. Last evaluated: 2025-09-24. Review status: criteria provided, single submitter. Criteria: Invitae Variant Classification Sherloc (09022015). Collection method: clinical testing. Allele origin: germline.

PreventionGenetics, part of Exact Sciences
Classification: Likely benign for PLXNA2-related condition. Last evaluated: 2024-01-22. Review status: no assertion criteria provided. Collection method: clinical testing. Allele origin: germline. Not counted in ClinVar's aggregate classification.
Comment: This variant is classified as likely benign based on ACMG/AMP sequence variant interpretation guidelines (Richards et al. 2015 PMID: 25741868, with internal and published modifications).

NM_025179.4(PLXNA2):c.5376C>T (p.Asp1792=)

Gene: PLXNA2 (plexin A2; minus strand). Cytogenetic location: 1q32.2.
Variant type: single nucleotide variant.
Coding change: c.5376C>T on transcript NM_025179.4 (MANE Select); coding-DNA position 5376, C replaced by T.
Protein change: p.Asp1792=; no amino-acid change (aspartic acid 1792 retained).
Molecular consequence: synonymous variant.
Genome position (GRCh38, 1-based): chr1:208,028,892, G>A on the plus strand (C>T on the coding strand, the complement: PLXNA2 is on the minus strand). VCF-style: chr1-208028892-G-A. GRCh37 (hg19) VCF-style: chr1-208202237-G-A.
Other names: c.5376C>T (NM_025179.3).
Identifiers: ClinVar variation 2038755 (VCV002038755.6), dbSNP rs534398757, ClinGen allele CA1372573.